The following is an entry in ClinVar:

NM_177438.3(DICER1):c.4663G>A (p.Ala1555Thr)

Gene: DICER1 (dicer 1, ribonuclease III; minus strand). Cytogenetic location: 14q32.13.
Variant type: single nucleotide variant.
Coding change: c.4663G>A on transcript NM_177438.3 (MANE Select); coding-DNA position 4663, G replaced by A.
Protein change: p.Ala1555Thr; replaces alanine 1555 with threonine.
Molecular consequence: missense variant.
Genome position (GRCh38, 1-based): chr14:95,096,257, C>T on the plus strand (G>A on the coding strand, the complement: DICER1 is on the minus strand). VCF-style: chr14-95096257-C-T. GRCh37 (hg19) VCF-style: chr14-95562594-C-T.
Other names: c.4663G>A, p.Ala1555Thr (NM_001195573.1, NM_001271282.3, NM_001291628.2 and 1 more transcripts); short protein forms A1555T.
Identifiers: ClinVar variation 1461091 (VCV001461091.7), dbSNP rs2139846115, ClinGen allele CA390867577.

ClinVar aggregate classification (germline): Uncertain significance (1 of 4 stars; one submission).

Conditions:
DICER1-related tumor predisposition. Also called: DICER1-related pleuropulmonary blastoma cancer predisposition syndrome; DICER1 syndrome. Identifiers: Orphanet 284343, MedGen C3839822, MONDO:0100216.

Submission:

Labcorp Genetics (formerly Invitae), Labcorp
Classification: Uncertain significance for DICER1-related tumor predisposition. Last evaluated: 2021-11-26. Review status: criteria provided, single submitter. Criteria: Invitae Variant Classification Sherloc (09022015). Collection method: clinical testing. Allele origin: germline.
Comment: In summary, the available evidence is currently insufficient to determine the role of this variant in disease. Therefore, it has been classified as a Variant of Uncertain Significance. Algorithms developed to predict the effect of missense changes on protein structure and function are either unavailable or do not agree on the potential impact of this missense change (SIFT: "Tolerated"; PolyPhen-2: "Possibly Damaging"; Align-GVGD: "Class C0"). This variant has not been reported in the literature in individuals affected with DICER1-related conditions. This variant is not present in population databases (gnomAD no frequency). This sequence change replaces alanine, which is neutral and non-polar, with threonine, which is neutral and polar, at codon 1555 of the DICER1 protein (p.Ala1555Thr).